The following is an entry in ClinVar:

ClinVar aggregate classification (germline): Uncertain significance (1 of 4 stars; one submission).

Allele frequency attached by ClinVar (database versions not stated): gnomAD exomes below 0.00001; TOPMed 0.00001.
gnomAD v4.1: 1 of 1,210,909 alleles (0.000083%); highest among the groups gnomAD compares: East Asian, 0.003%; no homozygotes.

Submission:

Labcorp Genetics (formerly Invitae), Labcorp
Classification: Uncertain significance. Last evaluated: 2023-07-26. Review status: criteria provided, single submitter. Criteria: Invitae Variant Classification Sherloc (09022015). Collection method: clinical testing. Allele origin: germline.
Comment: In summary, the available evidence is currently insufficient to determine the role of this variant in disease. Therefore, it has been classified as a Variant of Uncertain Significance. Advanced modeling of protein sequence and biophysical properties (such as structural, functional, and spatial information, amino acid conservation, physicochemical variation, residue mobility, and thermodynamic stability) performed at Invitae indicates that this missense variant is not expected to disrupt SH3KBP1 protein function. This variant has not been reported in the literature in individuals affected with SH3KBP1-related conditions. This variant is not present in population databases (gnomAD no frequency). This sequence change replaces asparagine, which is neutral and polar, with serine, which is neutral and polar, at codon 586 of the SH3KBP1 protein (p.Asn586Ser).

NM_031892.3(SH3KBP1):c.1757A>G (p.Asn586Ser)

Gene: SH3KBP1 (SH3 domain containing kinase binding protein 1; minus strand). Cytogenetic location: Xp22.12.
Variant type: single nucleotide variant.
Coding change: c.1757A>G on transcript NM_031892.3 (MANE Select); coding-DNA position 1757, A replaced by G.
Protein change: p.Asn586Ser; replaces asparagine 586 with serine.
Molecular consequence: missense variant.
Genome position (GRCh38, 1-based): chrX:19,542,060, T>C on the plus strand (A>G on the coding strand, the complement: SH3KBP1 is on the minus strand). VCF-style: chrX-19542060-T-C. GRCh37 (hg19) VCF-style: chrX-19560178-T-C.
Other names: c.1655A>G, p.Asn552Ser (NM_001353893.2); c.1526A>G, p.Asn509Ser (NM_001353894.2); c.1583A>G, p.Asn528Ser (NM_001353895.2); c.914A>G, p.Asn305Ser (NM_001353897.2); c.1889A>G, p.Asn630Ser (NM_001410756.1); c.1760A>G, p.Asn587Ser (NM_001410757.1); c.1451A>G, p.Asn484Ser (NM_001410758.1); c.1646A>G, p.Asn549Ser (NM_001024666.3); and 4 more; short protein forms N528S, N552S, N586S, N611S, N630S, N484S, N568S, N587S.
Identifiers: ClinVar variation 2745756 (VCV002745756.3), dbSNP rs2064926837, ClinGen allele CA412495885.